The following is an entry in ClinVar:

ClinVar aggregate classification (germline): Pathogenic (1 of 4 stars; one submission).

Submission:

Quest Diagnostics Nichols Institute San Juan Capistrano
Classification: Pathogenic. Last evaluated: 2019-08-14. Review status: criteria provided, single submitter. Criteria: Quest Diagnostics criteria. Collection method: clinical testing. Allele origin: germline.
Comment: The variant results in a shift of the reading frame, and is therefore predicted to result in the loss of a functional protein. Found in at least one symptomatic internal patient, and not found in general population data.

NM_004329.3(BMPR1A):c.373del (p.Cys125fs)

Gene: BMPR1A (bone morphogenetic protein receptor type 1A; plus strand). Cytogenetic location: 10q23.2.
Variant type: Deletion.
Coding change: c.373del on transcript NM_004329.3 (MANE Select); coding-DNA position 373, one base deleted (T; older notation c.373delT).
Protein change: p.Cys125fs; shifts the reading frame from cysteine 125.
Molecular consequence: frameshift variant.
Genome position (GRCh38, 1-based): chr10:86,899,833, T deleted; the last of 2 consecutive T bases (chr10:86,899,832-86,899,833); deleting either gives the same sequence. VCF-style (leftmost placement, unchanged base first): chr10-86899831-GT-G. GRCh37 (hg19) VCF-style: chr10-88659588-GT-G.
Other names: short protein forms C125fs.
Identifiers: ClinVar variation 801059 (VCV000801059.2), dbSNP rs1589768027, ClinGen allele CA915947537.
Genomic context (GRCh38, chr10:86,899,831, plus strand): 5'-TTTTATCATTACTCTTCTTTTAGGATTCTCCAAAAGCCCAGCTACGCCGGACAATAGAAT[GT>G]TGTCGGACCAATTTATGTAACCAGTATTTGCAACCCACACTGCCCCCTGTTGTCATAGGT-3'